The following is an entry in ClinVar:

ClinVar aggregate classification (germline): Conflicting classifications of pathogenicity. Review status: criteria provided, conflicting classifications (1 of 4 stars). 9 submissions from 9 submitters: Uncertain significance (1); Benign (2); Likely benign (5). 1 of the submissions does not count toward it. Last evaluated 2025-12-30.

Conditions:
CBL-related disorder. Also called: NOONAN SYNDROME-LIKE DISORDER WITHOUT JUVENILE MYELOMONOCYTIC LEUKEMIA; CBL MUTATION-ASSOCIATED SYNDROME; CBL SYNDROME. Identifiers: Orphanet 363972, MedGen C3150803, MONDO:0013308, OMIM 613563.
Cardiovascular phenotype. Identifiers: MedGen CN230736.
RASopathy. Also called: rasopathies; Noonan spectrum disorder. Identifiers: Orphanet 536391, MedGen C5555857, MONDO:0021060.

Allele frequency attached by ClinVar (database versions not stated): ExAC 0.00012; TOPMed 0.00018; gnomAD 0.00019 and 0.00018; ESP Exome Variant Server 0.00031; gnomAD exomes 0.00033 and 0.00014.
gnomAD v4.1: 506 of 1,613,936 alleles (0.031%); highest among the groups gnomAD compares: Non-Finnish European, 0.041%; 1 homozygote.

Submissions (9):

Labcorp Genetics (formerly Invitae), Labcorp
Classification: Likely benign for RASopathy. Last evaluated: 2025-12-30. Review status: criteria provided, single submitter. Criteria: Invitae Variant Classification Sherloc (09022015). Collection method: clinical testing. Allele origin: germline.

Ambry Genetics
Classification: Benign for Cardiovascular phenotype. Last evaluated: 2025-01-15. Review status: criteria provided, single submitter. Criteria: Ambry Variant Classification Scheme 2023. Collection method: clinical testing. Allele origin: germline.

Blueprint Genetics
Classification: Likely benign. Last evaluated: 2024-11-07. Review status: criteria provided, single submitter. Criteria: ACMG Guidelines, 2015. Collection method: clinical testing. Allele origin: germline.

CeGaT Center for Human Genetics Tuebingen
Classification: Likely benign. Last evaluated: 2023-02-01. Review status: criteria provided, single submitter. Criteria: CeGaT Center For Human Genetics Tuebingen Variant Classification Criteria Version 2. Collection method: clinical testing. Allele origin: germline. Affected: yes. Observed: 1 variant allele.
Comment: CBL: BP4

Women's Health and Genetics/Laboratory Corporation of America, LabCorp
Classification: Likely benign. Last evaluated: 2022-10-31. Review status: criteria provided, single submitter. Criteria: LabCorp Variant Classification Summary - May 2015. Collection method: clinical testing. Allele origin: germline.
Comment: Variant summary: CBL c.2588A>G (p.Asn863Ser) results in a conservative amino acid change located in the Ubiquitin-associated domain (IPR015940) of the encoded protein sequence. Five of five in-silico tools predict a benign effect of the variant on protein function. The variant allele was found at a frequency of 0.00014 in 251468 control chromosomes, predominantly at a frequency of 0.00025 within the Non-Finnish European subpopulation in the gnomAD database. The observed variant frequency within Non-Finnish European control individuals in the gnomAD database is approximately 100 fold of the estimated maximal expected allele frequency for a pathogenic variant in CBL causing Noonan Syndrome And Related Conditions phenotype (2.5e-06), strongly suggesting that the variant is a benign polymorphism found primarily in populations of Non-Finnish European origin. To our knowledge, c.2588A>G has not been reported in the literature in individuals affected with Noonan Syndrome. Three clinical diagnostic laboratories have submitted clinical-significance assessments for this variant to ClinVar after 2014 and all classified the variant as benign/likely benign. Based on the evidence outlined above, the variant was classified as likely benign.

GeneDx
Classification: Likely benign. Last evaluated: 2018-02-28. Review status: criteria provided, single submitter. Criteria: GeneDx Variant Classification (06012015). Collection method: clinical testing. Allele origin: germline. Affected: yes.
Comment: This variant is considered likely benign or benign based on one or more of the following criteria: it is a conservative change, it occurs at a poorly conserved position in the protein, it is predicted to be benign by multiple in silico algorithms, and/or has population frequency not consistent with disease.

Illumina Laboratory Services, Illumina
Classification: Benign for CBL-related disorder. Last evaluated: 2018-01-13. Review status: criteria provided, single submitter. Criteria: ICSL Variant Classification Criteria 13 December 2019. Collection method: clinical testing. Allele origin: germline.
Comment: This variant was observed in the ICSL laboratory as part of a predisposition screen in an ostensibly healthy population. It had not been previously curated by ICSL or reported in the Human Gene Mutation Database (HGMD: prior to June 1st, 2018), and was therefore a candidate for classification through an automated scoring system. Utilizing variant allele frequency, disease prevalence and penetrance estimates, and inheritance mode, an automated score was calculated to assess if this variant is too frequent to cause the disease. Based on the score and internal cut-off values, a variant classified as benign is not then subjected to further curation. The score for this variant resulted in a classification of benign for this disease.

Laboratory for Molecular Medicine, Mass General Brigham Personalized Medicine
Classification: Uncertain significance. Last evaluated: 2012-08-09. Review status: criteria provided, single submitter. Criteria: LMM Criteria. Collection method: clinical testing. Allele origin: germline. Observed: 1 variant allele.
Comment: Variant classified as Uncertain Significance - Favor Benign.

PreventionGenetics, part of Exact Sciences
Classification: Likely benign for CBL-related condition. Last evaluated: 2021-08-02. Review status: no assertion criteria provided. Collection method: clinical testing. Allele origin: germline. Not counted in ClinVar's aggregate classification.
Comment: This variant is classified as likely benign based on ACMG/AMP sequence variant interpretation guidelines (Richards et al. 2015 PMID: 25741868, with internal and published modifications).

Literature cited by the submitters: PubMed 31664448 (cited by Women's Health and Genetics/Laboratory Corporation of America, LabCorp).

NM_005188.4(CBL):c.2588A>G (p.Asn863Ser)

Gene: CBL (Cbl proto-oncogene; plus strand). Cytogenetic location: 11q23.3.
Variant type: single nucleotide variant.
Coding change: c.2588A>G on transcript NM_005188.4 (MANE Select); coding-DNA position 2588, A replaced by G.
Protein change: p.Asn863Ser; replaces asparagine 863 with serine.
Molecular consequence: missense variant.
Genome position (GRCh38, 1-based): chr11:119,299,648, A>G. VCF-style: chr11-119299648-A-G. GRCh37 (hg19) VCF-style: chr11-119170358-A-G.
Other names: p.N863S:AAC>AGC; short protein forms N863S.
Identifiers: ClinVar variation 40427 (VCV000040427.47), dbSNP rs146250423, ClinGen allele CA135721.
Genomic context (GRCh38, chr11:119,299,648, plus strand): 5'-GTAGTGGTCCTGCCGCCTCTGCTGCCACCGCCTCACCTCAGCTCTCCAGTGAGATCGAGA[A>G]CCTCATGAGTCAGGGGTACTCCTACCAGGACATCCAGAAAGCTTTGGTCATTGCCCAGAA-3'
Protein context (NP_005179.2, residues 853-873): ASPQLSSEIE[Asn863Ser]LMSQGYSYQD